The following is an entry in ClinVar:

ClinVar aggregate classification (germline): Benign. Review status: criteria provided, multiple submitters, no conflicts (2 of 4 stars). 3 submissions from 3 submitters: Benign (3). Last evaluated 2023-11-12.

Allele frequency attached by ClinVar (database versions not stated): ESP Exome Variant Server 0.10534; 1000 Genomes Project 0.18870; 1000 Genomes Project 30x 0.19488; gnomAD exomes 0.20334; ExAC 0.20625; gnomAD 0.21129 and 0.21185; TOPMed 0.21360.
gnomAD v4.1: 356,088 of 1,612,664 alleles (22%); highest among the groups gnomAD compares: Middle Eastern, 25%; 40,380 homozygotes.

Submissions (3):

Unidad de Genómica Garrahan, Hospital de Pediatría Garrahan
Classification: Benign. Last evaluated: 2023-11-12. Review status: criteria provided, single submitter. Criteria: ACMG Guidelines, 2015. Collection method: clinical testing. Allele origin: germline. Affected: no. Observed: 33 variant alleles.
Comment: This variant is classified as Benign based on local population frequency. This variant was detected in 34% of patients studied by a panel of primary immunodeficiencies. Number of patients: 33. Only high quality variants are reported.

GeneDx
Classification: Benign. Last evaluated: 2018-06-14. Review status: criteria provided, single submitter. Criteria: GeneDx Variant Classification (06012015). Collection method: clinical testing. Allele origin: germline. Affected: yes.
Comment: This variant is considered likely benign or benign based on one or more of the following criteria: it is a conservative change, it occurs at a poorly conserved position in the protein, it is predicted to be benign by multiple in silico algorithms, and/or has population frequency not consistent with disease.

Breakthrough Genomics
Classification: Benign. Review status: criteria provided, single submitter. Criteria: ACMG Guidelines, 2015. Collection method: not provided. Allele origin: germline. Inheritance: Autosomal recessive inheritance. Affected: yes.

NM_203447.4(DOCK8):c.2971-36T>G

Gene: DOCK8 (dedicator of cytokinesis 8; plus strand). Cytogenetic location: 9p24.3.
Variant type: single nucleotide variant.
Coding change: c.2971-36T>G on transcript NM_203447.4 (MANE Select); 36 bases into the intron before coding-DNA position 2971, T replaced by G.
Molecular consequence: intron variant.
Genome position (GRCh38, 1-based): chr9:396,749, T>G. VCF-style: chr9-396749-T-G. GRCh37 (hg19) VCF-style: chr9-396749-T-G.
Other names: c.2767-36T>G (NM_001193536.2); c.2671-36T>G (NM_001190458.2).
Identifiers: ClinVar variation 674213 (VCV000674213.4), dbSNP rs2297077, ClinGen allele CA4958440.